The following is an entry in ClinVar:

NM_002181.4(IHH):c.419C>T (p.Ser140Leu)

Gene: IHH (Indian hedgehog signaling molecule; minus strand). Cytogenetic location: 2q35.
Variant type: single nucleotide variant.
Coding change: c.419C>T on transcript NM_002181.4 (MANE Select); coding-DNA position 419, C replaced by T.
Protein change: p.Ser140Leu; replaces serine 140 with leucine.
Molecular consequence: missense variant.
Genome position (GRCh38, 1-based): chr2:219,057,591, G>A on the plus strand (C>T on the coding strand, the complement: IHH is on the minus strand). VCF-style: chr2-219057591-G-A. GRCh37 (hg19) VCF-style: chr2-219922313-G-A.
Other names: short protein forms S140L.
Identifiers: ClinVar variation 1434151 (VCV001434151.6), dbSNP rs2106308510, ClinGen allele CA350635449.

ClinVar aggregate classification (germline): Uncertain significance (1 of 4 stars; one submission).

Submission:

Labcorp Genetics (formerly Invitae), Labcorp
Classification: Uncertain significance. Last evaluated: 2024-01-01. Review status: criteria provided, single submitter. Criteria: Invitae Variant Classification Sherloc (09022015). Collection method: clinical testing. Allele origin: germline.
Comment: This sequence change replaces serine, which is neutral and polar, with leucine, which is neutral and non-polar, at codon 140 of the IHH protein (p.Ser140Leu). This variant is not present in population databases (gnomAD no frequency). This variant has not been reported in the literature in individuals affected with IHH-related conditions. ClinVar contains an entry for this variant (Variation ID: 1434151). Advanced modeling of protein sequence and biophysical properties (such as structural, functional, and spatial information, amino acid conservation, physicochemical variation, residue mobility, and thermodynamic stability) performed at Invitae indicates that this missense variant is not expected to disrupt IHH protein function with a negative predictive value of 80%. In summary, the available evidence is currently insufficient to determine the role of this variant in disease. Therefore, it has been classified as a Variant of Uncertain Significance.